The following is an entry in ClinVar:

NM_031935.3(HMCN1):c.4753G>A (p.Gly1585Arg)

Gene: HMCN1 (hemicentin 1; plus strand). Cytogenetic location: 1q31.1.
Variant type: single nucleotide variant.
Coding change: c.4753G>A on transcript NM_031935.3 (MANE Select); coding-DNA position 4753, G replaced by A.
Protein change: p.Gly1585Arg; replaces glycine 1585 with arginine.
Molecular consequence: missense variant.
Genome position (GRCh38, 1-based): chr1:186,015,281, G>A. VCF-style: chr1-186015281-G-A. GRCh37 (hg19) VCF-style: chr1-185984413-G-A.
Other names: c.4753G>A (NM_031935.2); short protein forms G1585R.
Identifiers: ClinVar variation 2192576 (VCV002192576.5), dbSNP rs758744462, ClinGen allele CA1292092.

ClinVar aggregate classification (germline): Uncertain significance. Review status: criteria provided, multiple submitters, no conflicts (2 of 4 stars). 2 submissions from 2 submitters: Uncertain significance (2). Last evaluated 2025-09-25.

Allele frequency attached by ClinVar (database versions not stated): ExAC 0.00001; gnomAD exomes 0.00001; gnomAD 0.00004; TOPMed 0.00005.
gnomAD v4.1: 26 of 1,613,702 alleles (0.0016%); highest among the groups gnomAD compares: Middle Eastern, 0.016%; no homozygotes.

Submissions (2):

Ambry Genetics
Classification: Uncertain significance. Last evaluated: 2025-09-25. Review status: criteria provided, single submitter. Criteria: Ambry Variant Classification Scheme 2023. Collection method: clinical testing. Allele origin: germline.

Labcorp Genetics (formerly Invitae), Labcorp
Classification: Uncertain significance. Last evaluated: 2024-09-28. Review status: criteria provided, single submitter. Criteria: Invitae Variant Classification Sherloc (09022015). Collection method: clinical testing. Allele origin: germline.
Comment: This sequence change replaces glycine, which is neutral and non-polar, with arginine, which is basic and polar, at codon 1585 of the HMCN1 protein (p.Gly1585Arg). This variant is present in population databases (rs758744462, gnomAD 0.01%). This variant has not been reported in the literature in individuals affected with HMCN1-related conditions. ClinVar contains an entry for this variant (Variation ID: 2192576). An algorithm developed to predict the effect of missense changes on protein structure and function (PolyPhen-2) suggests that this variant is likely to be disruptive. In summary, the available evidence is currently insufficient to determine the role of this variant in disease. Therefore, it has been classified as a Variant of Uncertain Significance.